The following is an entry in ClinVar:

ClinVar aggregate classification (germline): Conflicting classifications of pathogenicity. Review status: criteria provided, conflicting classifications (1 of 4 stars). 4 submissions from 4 submitters: Uncertain significance (2); Benign (1); Likely benign (1). Last evaluated 2026-01-30.

Allele frequency attached by ClinVar (database versions not stated): ESP Exome Variant Server 0.00008; gnomAD 0.00010; TOPMed 0.00042; 1000 Genomes Project 30x 0.00062; 1000 Genomes Project 0.00080.
gnomAD v4.1: 178 of 1,614,114 alleles (0.011%); highest among the groups gnomAD compares: East Asian, 0.17%; no homozygotes.

Submissions (4):

GeneDx
Classification: Uncertain significance. Last evaluated: 2026-01-30. Review status: criteria provided, single submitter. Criteria: GeneDx Variant Classification Process June 2021. Collection method: clinical testing. Allele origin: germline.
Comment: Reported in large cohort study of probands with neurodevelopmental disorders; however, detailed clinical information was not provided (PMID: 33057194); In silico analysis suggests that this missense variant does not alter protein structure/function; This variant is associated with the following publications: (PMID: 35982159, 33057194)

Labcorp Genetics (formerly Invitae), Labcorp
Classification: Likely benign. Last evaluated: 2025-05-12. Review status: criteria provided, single submitter. Criteria: Invitae Variant Classification Sherloc (09022015). Collection method: clinical testing. Allele origin: germline.

Blueprint Genetics
Classification: Benign. Last evaluated: 2024-11-11. Review status: criteria provided, single submitter. Criteria: ACMG Guidelines, 2015. Collection method: clinical testing. Allele origin: germline.

Eurofins Ntd Llc (ga)
Classification: Uncertain significance. Last evaluated: 2016-12-27. Review status: criteria provided, single submitter. Criteria: EGL Classification Definitions 2015. Collection method: clinical testing. Allele origin: germline. Observed: 1 variant allele, 1 heterozygote.

NM_198506.5(LRIT3):c.710G>A (p.Arg237His)

Gene: LRIT3 (leucine rich repeat, Ig-like and transmembrane domains 3; plus strand). Cytogenetic location: 4q25.
Variant type: single nucleotide variant.
Coding change: c.710G>A on transcript NM_198506.5 (MANE Select); coding-DNA position 710, G replaced by A.
Protein change: p.Arg237His; replaces arginine 237 with histidine.
Molecular consequence: missense variant.
Genome position (GRCh38, 1-based): chr4:109,867,761, G>A. VCF-style: chr4-109867761-G-A. GRCh37 (hg19) VCF-style: chr4-110788917-G-A.
Other names: c.710G>A (NM_198506.4); short protein forms R237H.
Identifiers: ClinVar variation 498726 (VCV000498726.15), dbSNP rs150750727, ClinGen allele CA3043051.
Genomic context (GRCh38, chr4:109,867,761, plus strand): 5'-AGGTCGTTGACCCTGCTATAGTGCTTCTGGATCCACTGATGACTTGCAGTGAACCTGAGC[G>A]CCTCACAGGAATTTTGTTTCAGCGGGCTGAATTGGAGCATTGTCTGAAACCATCAGTGAT-3'
Protein context (NP_940908.3, residues 227-247): DPLMTCSEPE[Arg237His]LTGILFQRAE